The following is an entry in ClinVar:

NM_001010867.4(IBA57):c.1055C>T (p.Pro352Leu)

Gene: IBA57 (iron-sulfur cluster assembly factor IBA57; plus strand). Cytogenetic location: 1q42.13.
Variant type: single nucleotide variant.
Coding change: c.1055C>T on transcript NM_001010867.4 (MANE Select); coding-DNA position 1055, C replaced by T.
Protein change: p.Pro352Leu; replaces proline 352 with leucine.
Molecular consequence: missense variant.
Genome position (GRCh38, 1-based): chr1:228,175,497, C>T. VCF-style: chr1-228175497-C-T. GRCh37 (hg19) VCF-style: chr1-228363198-C-T.
Other names: c.476C>T, p.Pro159Leu (NM_001310327.2); short protein forms P159L, P352L.
Identifiers: ClinVar variation 1929708 (VCV001929708.3), dbSNP rs768607404, ClinGen allele CA1431318.

ClinVar aggregate classification (germline): Uncertain significance (1 of 4 stars; one submission).

Conditions:
Multiple mitochondrial dysfunctions syndrome 3 (MMDS3). Identifiers: Orphanet 363424, MedGen C3809165, MONDO:0014132, OMIM 615330.
Hereditary spastic paraplegia 74. Also called: Spastic paraplegia 74, autosomal recessive. Identifiers: Orphanet 468661, MedGen C5568837, MONDO:0014644, OMIM 616451.

Allele frequency attached by ClinVar (database versions not stated): ExAC 0.00001; TOPMed 0.00002.
gnomAD v4.1: 3 of 1,575,184 alleles (0.00019%); highest among the groups gnomAD compares: Admixed American, 0.0053%; no homozygotes.

Submission:

Labcorp Genetics (formerly Invitae), Labcorp
Classification: Uncertain significance for Multiple mitochondrial dysfunctions syndrome 3; Hereditary spastic paraplegia 74. Last evaluated: 2023-08-10. Review status: criteria provided, single submitter. Criteria: Invitae Variant Classification Sherloc (09022015). Collection method: clinical testing. Allele origin: germline.
Comment: This sequence change replaces proline, which is neutral and non-polar, with leucine, which is neutral and non-polar, at codon 352 of the IBA57 protein (p.Pro352Leu). This variant is present in population databases (rs768607404, gnomAD 0.007%). This variant has not been reported in the literature in individuals affected with IBA57-related conditions. ClinVar contains an entry for this variant (Variation ID: 1929708). An algorithm developed to predict the effect of missense changes on protein structure and function (PolyPhen-2) suggests that this variant is likely to be disruptive. In summary, the available evidence is currently insufficient to determine the role of this variant in disease. Therefore, it has been classified as a Variant of Uncertain Significance.